The following is an entry in ClinVar:

NM_025077.4(TOE1):c.805G>T (p.Glu269Ter)

Gene: TOE1 (target of EGR1, exonuclease; plus strand). Cytogenetic location: 1p34.1.
Variant type: single nucleotide variant.
Coding change: c.805G>T on transcript NM_025077.4 (MANE Select); coding-DNA position 805, G replaced by T.
Protein change: p.Glu269Ter; replaces glutamic acid 269 with a stop codon.
Molecular consequence: nonsense.
Genome position (GRCh38, 1-based): chr1:45,342,895, G>T. VCF-style: chr1-45342895-G-T. GRCh37 (hg19) VCF-style: chr1-45808567-G-T.
Other names: short protein forms E269*.
Identifiers: ClinVar variation 3000338 (VCV003000338.3), dbSNP rs771704204, ClinGen allele CA826687.

ClinVar aggregate classification (germline): Pathogenic (1 of 4 stars; one submission).

Allele frequency attached by ClinVar (database versions not stated): gnomAD exomes below 0.00001; ExAC 0.00001.
gnomAD v4.1: 5 of 1,613,972 alleles (0.00031%); highest among the groups gnomAD compares: African/African-American, 0.0013%; no homozygotes.

Submission:

Labcorp Genetics (formerly Invitae), Labcorp
Classification: Pathogenic. Last evaluated: 2023-10-05. Review status: criteria provided, single submitter. Criteria: Invitae Variant Classification Sherloc (09022015). Collection method: clinical testing. Allele origin: germline.
Comment: This sequence change creates a premature translational stop signal (p.Glu269*) in the TOE1 gene. It is expected to result in an absent or disrupted protein product. Loss-of-function variants in TOE1 are known to be pathogenic (PMID: 28092684, 34716526). This variant is present in population databases (rs771704204, gnomAD 0.0009%). This variant has not been reported in the literature in individuals affected with TOE1-related conditions. Algorithms developed to predict the effect of sequence changes on RNA splicing suggest that this variant may create or strengthen a splice site. For these reasons, this variant has been classified as Pathogenic.

Literature cited by the submitters: PubMed 28092684; PubMed 34716526.